The following is an entry in ClinVar:

ClinVar aggregate classification (germline): Benign. Review status: criteria provided, multiple submitters, no conflicts (2 of 4 stars). 11 submissions from 11 submitters: Benign (9). 2 of the submissions do not count toward it. Last evaluated 2026-02-02.

Conditions:
Collagen 6-related myopathy. Identifiers: MedGen CN117976, MONDO:0100225.
Bethlem myopathy 1A. Also called: Bethlem myopathy 1; Bethlem Muscular Dystrophy; MYOPATHY, BENIGN CONGENITAL, WITH CONTRACTURES. Identifiers: Orphanet 610, MedGen CN029274, MONDO:0024530, OMIM 158810.

Allele frequency attached by ClinVar (database versions not stated): gnomAD exomes 0.00204 and 0.00500; TOPMed 0.01913; gnomAD 0.01709 and 0.01816; 1000 Genomes Project 0.01997; ExAC 0.00596; ESP Exome Variant Server 0.01838; 1000 Genomes Project 30x 0.02249.
gnomAD v4.1: 5,786 of 1,614,190 alleles (0.36%); highest among the groups gnomAD compares: African/African-American, 5.8%; 166 homozygotes.

Submissions (11):

Labcorp Genetics (formerly Invitae), Labcorp
Classification: Benign for Bethlem myopathy 1A. Last evaluated: 2026-02-02. Review status: criteria provided, single submitter. Criteria: Invitae Variant Classification Sherloc (09022015). Collection method: clinical testing. Allele origin: germline.

Athena Diagnostics
Classification: Benign. Last evaluated: 2024-06-10. Review status: criteria provided, single submitter. Criteria: Athena Diagnostics Criteria. Collection method: clinical testing. Allele origin: unknown.

Mayo Clinic Laboratories, Mayo Clinic
Classification: Benign. Last evaluated: 2019-03-06. Review status: criteria provided, single submitter. Criteria: ACMG Guidelines, 2015. Collection method: clinical testing. Allele origin: germline. Observed: 6 variant alleles.

Illumina Laboratory Services, Illumina
Classification: Benign for Collagen VI-related myopathy. Last evaluated: 2018-01-13. Review status: criteria provided, single submitter. Criteria: ICSL Variant Classification Criteria 13 December 2019. Collection method: clinical testing. Allele origin: germline.
Comment: This variant was observed in the ICSL laboratory as part of a predisposition screen in an ostensibly healthy population. It had not been previously curated by ICSL or reported in the Human Gene Mutation Database (HGMD: prior to June 1st, 2018), and was therefore a candidate for classification through an automated scoring system. Utilizing variant allele frequency, disease prevalence and penetrance estimates, and inheritance mode, an automated score was calculated to assess if this variant is too frequent to cause the disease. Based on the score and internal cut-off values, a variant classified as benign is not then subjected to further curation. The score for this variant resulted in a classification of benign for this disease.

GeneDx
Classification: Benign. Last evaluated: 2016-08-16. Review status: criteria provided, single submitter. Criteria: GeneDx Variant Classification (06012015). Collection method: clinical testing. Allele origin: germline. Affected: yes.
Comment: This variant is considered likely benign or benign based on one or more of the following criteria: it is a conservative change, it occurs at a poorly conserved position in the protein, it is predicted to be benign by multiple in silico algorithms, and/or has population frequency not consistent with disease.

PreventionGenetics, part of Exact Sciences
Classification: Benign. Last evaluated: 2016-04-01. Review status: criteria provided, single submitter. Criteria: ACMG Guidelines, 2015. Collection method: clinical testing. Allele origin: germline.

Genetic Services Laboratory, University of Chicago
Classification: Benign for AllHighlyPenetrant. Last evaluated: 2013-08-15. Review status: criteria provided, single submitter. Criteria: ACMG Guidelines, 2007. Collection method: clinical testing. Allele origin: germline.

Eurofins Ntd Llc (ga)
Classification: Benign. Last evaluated: 2012-07-17. Review status: criteria provided, single submitter. Criteria: EGL Classification Definitions 2015. Collection method: clinical testing. Allele origin: germline. Observed: 3 variant alleles, 3 heterozygotes.

Breakthrough Genomics
Classification: Benign. Review status: criteria provided, single submitter. Criteria: ACMG Guidelines, 2015. Collection method: not provided. Allele origin: germline. Inheritance: Autosomal recessive inheritance. Affected: yes.

Clinical Genetics, Academic Medical Center
Classification: Benign. Review status: no assertion criteria provided. Collection method: clinical testing. Allele origin: germline. Affected: yes. Study: VKGL Data-share Consensus. Not counted in ClinVar's aggregate classification.

Laboratory of Diagnostic Genome Analysis, Leiden University Medical Center (LUMC)
Classification: Likely benign. Review status: no assertion criteria provided. Collection method: clinical testing. Allele origin: germline. Affected: yes. Study: VKGL Data-share Consensus. Not counted in ClinVar's aggregate classification.

Literature cited by the submitters: PubMed 15689448 (cited by Athena Diagnostics).

NM_004369.4(COL6A3):c.8145A>G (p.Leu2715=)

Gene: COL6A3 (collagen type VI alpha 3 chain; minus strand). Cytogenetic location: 2q37.3.
Variant type: single nucleotide variant.
Coding change: c.8145A>G on transcript NM_004369.4 (MANE Select); coding-DNA position 8145, A replaced by G.
Protein change: p.Leu2715=; no amino-acid change (leucine 2715 retained).
Molecular consequence: synonymous variant.
Genome position (GRCh38, 1-based): chr2:237,340,771, T>C on the plus strand (A>G on the coding strand, the complement: COL6A3 is on the minus strand). VCF-style: chr2-237340771-T-C. GRCh37 (hg19) VCF-style: chr2-238249414-T-C.
Other names: p.Leu2715=; c.6324A>G, p.Leu2108= (NM_057166.5); c.7527A>G, p.Leu2509= (NM_057167.4).
Identifiers: ClinVar variation 95002 (VCV000095002.30), dbSNP rs35763271, ClinGen allele CA148059.